The following is an entry in ClinVar:

ClinVar aggregate classification (germline): Uncertain significance (1 of 4 stars; one submission).

Allele frequency attached by ClinVar (database versions not stated): TOPMed below 0.00001; ExAC 0.00001; gnomAD exomes 0.00001 and 0.00002; ESP Exome Variant Server 0.00009.
gnomAD v4.1: 9 of 1,207,642 alleles (0.00075%); highest among the groups gnomAD compares: Non-Finnish European, 0.0009%; no homozygotes.

Submission:

Labcorp Genetics (formerly Invitae), Labcorp
Classification: Uncertain significance. Last evaluated: 2025-09-14. Review status: criteria provided, single submitter. Criteria: Invitae Variant Classification Sherloc (09022015). Collection method: clinical testing. Allele origin: germline.
Comment: This sequence change replaces leucine, which is neutral and non-polar, with isoleucine, which is neutral and non-polar, at codon 669 of the STAG2 protein (p.Leu669Ile). This variant is present in population databases (rs140406522, gnomAD 0.003%). This variant has not been reported in the literature in individuals affected with STAG2-related conditions. ClinVar contains an entry for this variant (Variation ID: 1366449). Invitae Evidence Modeling of protein sequence and biophysical properties (such as structural, functional, and spatial information, amino acid conservation, physicochemical variation, residue mobility, and thermodynamic stability) indicates that this missense variant is not expected to disrupt STAG2 protein function with a negative predictive value of 80%. In summary, the available evidence is currently insufficient to determine the role of this variant in disease. Therefore, it has been classified as a Variant of Uncertain Significance.

NM_001042750.2(STAG2):c.2005C>A (p.Leu669Ile)

Gene: STAG2 (STAG2 cohesin complex component; plus strand). Cytogenetic location: Xq25.
Variant type: single nucleotide variant.
Coding change: c.2005C>A on transcript NM_001042750.2 (MANE Select); coding-DNA position 2005, C replaced by A.
Protein change: p.Leu669Ile; replaces leucine 669 with isoleucine.
Molecular consequence: missense variant.
Genome position (GRCh38, 1-based): chrX:124,064,031, C>A. VCF-style: chrX-124064031-C-A. GRCh37 (hg19) VCF-style: chrX-123197881-C-A.
Other names: c.2005C>A, p.Leu669Ile (NM_001042749.2, NM_001042751.2, NM_001282418.2 and 13 more transcripts); short protein forms L669I.
Identifiers: ClinVar variation 1366449 (VCV001366449.8), dbSNP rs140406522, ClinGen allele CA10508913.
Genomic context (GRCh38, chrX:124,064,031, plus strand): 5'-AGAGTAGATATTTCAAGAAGTCAACTGATAGATGAATTGGCAGATAAATTTAACCGGCTT[C>A]TTGAAGATTTTCTGCAAGAGGTATATATTATAACTATTACAAGTATTTTGTCAGTTGAGC-3'
Protein context (NP_001036215.1, residues 659-679): DELADKFNRL[Leu669Ile]EDFLQEGEEP